The following is an entry in ClinVar:

ClinVar aggregate classification (germline): Uncertain significance (1 of 4 stars; one submission).

Allele frequency attached by ClinVar (database versions not stated): gnomAD exomes below 0.00001; TOPMed below 0.00001.
gnomAD v4.1: 2 of 1,591,928 alleles (0.00013%); highest among the groups gnomAD compares: African/African-American, 0.0013%; no homozygotes.

Submission:

Labcorp Genetics (formerly Invitae), Labcorp
Classification: Uncertain significance. Last evaluated: 2022-08-31. Review status: criteria provided, single submitter. Criteria: Invitae Variant Classification Sherloc (09022015). Collection method: clinical testing. Allele origin: germline.
Comment: In summary, the available evidence is currently insufficient to determine the role of this variant in disease. Therefore, it has been classified as a Variant of Uncertain Significance. Variants that disrupt the consensus splice site are a relatively common cause of aberrant splicing (PMID: 17576681, 9536098). Algorithms developed to predict the effect of sequence changes on RNA splicing suggest that this variant is not likely to affect RNA splicing. This variant has not been reported in the literature in individuals affected with COL11A1-related conditions. The frequency data for this variant in the population databases is considered unreliable, as metrics indicate poor data quality at this position in the gnomAD database. This sequence change falls in intron 2 of the COL11A1 gene. It does not directly change the encoded amino acid sequence of the COL11A1 protein. It affects a nucleotide within the consensus splice site.

Literature cited by the submitters: PubMed 17576681; PubMed 9536098.

NM_001854.4(COL11A1):c.275-3C>T

Gene: COL11A1 (collagen type XI alpha 1 chain; minus strand). Cytogenetic location: 1p21.1.
Variant type: single nucleotide variant.
Coding change: c.275-3C>T on transcript NM_001854.4 (MANE Select); 3 bases into the intron before coding-DNA position 275, C replaced by T.
Molecular consequence: intron variant.
Genome position (GRCh38, 1-based): chr1:103,078,874, G>A on the plus strand (C>T on the coding strand, the complement: COL11A1 is on the minus strand). VCF-style: chr1-103078874-G-A. GRCh37 (hg19) VCF-style: chr1-103544430-G-A.
Other names: c.275-3C>T (NM_001190709.2, NM_080629.3, NM_080630.4).
Identifiers: ClinVar variation 1953758 (VCV001953758.5), dbSNP rs904653314, ClinGen allele CA27754617.
Genomic context (GRCh38, chr1:103,078,874, plus strand): 5'-ATTCCTTTTTTTGGTTTTACTGTAAATAGTATTGAAAAGTCTTCTGGGAAAGTTCCACCT[G>A]AGAAGAAAAGGCCAAAGAGTTAGAAATTTCCAATTTCCAATTTCTACTTTATTCCTAGAT-3'